The following is an entry in ClinVar:

NM_000051.4(ATM):c.1978dup (p.Met660fs)

Gene: ATM (ATM serine/threonine kinase; plus strand). Cytogenetic location: 11q22.3.
Variant type: Duplication.
Coding change: c.1978dup on transcript NM_000051.4 (MANE Select); coding-DNA position 1978, one base duplicated (A; older notation c.1978dupA).
Protein change: p.Met660fs; shifts the reading frame from methionine 660.
Molecular consequence: frameshift variant.
Genome position (GRCh38, 1-based): chr11:108,253,893, A duplicated. VCF-style (leftmost placement, unchanged base first): chr11-108253892-G-GA. GRCh37 (hg19) VCF-style: chr11-108124619-G-GA.
Other names: c.1978dup, p.Met660fs (NM_001351834.2); c.1978dupA (NM_000051.3); short protein forms M660fs.
Identifiers: ClinVar variation 482732 (VCV000482732.5), dbSNP rs1555073243, ClinGen allele CA658656183.

ClinVar aggregate classification (germline): Pathogenic (1 of 4 stars; one submission).

Conditions:
Hereditary cancer-predisposing syndrome. Also called: Neoplastic Syndromes, Hereditary; Tumor predisposition; Hereditary Cancer Syndrome; Hereditary neoplastic syndrome. Identifiers: Orphanet 140162, MedGen C0027672, MeSH D009386, MONDO:0015356.

Submission:

Ambry Genetics
Classification: Pathogenic for Hereditary cancer-predisposing syndrome. Last evaluated: 2017-05-31. Review status: criteria provided, single submitter. Criteria: Ambry Variant Classification Scheme 2023. Collection method: clinical testing. Allele origin: germline.
Comment: The c.1978dupA pathogenic mutation, located in coding exon 12 of the ATM gene, results from a duplication of A at nucleotide position 1978, causing a translational frameshift with a predicted alternate stop codon (p.M660Nfs*45). This alteration is expected to result in loss of function by premature protein truncation or nonsense-mediated mRNA decay. As such, this alteration is interpreted as a disease-causing mutation.